The following is an entry in ClinVar:

NM_001005388.3(NFASC):c.3020-9G>A

Gene: NFASC (neurofascin; plus strand). Cytogenetic location: 1q32.1.
Variant type: single nucleotide variant.
Coding change: c.3020-9G>A on transcript NM_001005388.3 (MANE Select); 9 bases into the intron before coding-DNA position 3020, G replaced by A.
Molecular consequence: intron variant.
Genome position (GRCh38, 1-based): chr1:205,001,161, G>A. VCF-style: chr1-205001161-G-A. GRCh37 (hg19) VCF-style: chr1-204970289-G-A.
Other names: c.3341-9G>A (NM_001378329.1); c.3092-8396G>A (NM_001160332.2); c.3077-8396G>A (NM_015090.4); c.2756-8396G>A (NM_001365986.1); c.3137-8396G>A (NM_001160331.2).
Identifiers: ClinVar variation 3039125 (VCV003039125.2), dbSNP rs769331047, ClinGen allele CA1350626.

ClinVar aggregate classification (germline): Likely benign (0 of 4 stars; one submission).

Conditions:
NFASC-related disorder. Also called: NFASC-related condition.

Allele frequency attached by ClinVar (database versions not stated): ExAC 0.00002; TOPMed 0.00003.
gnomAD v4.1: 33 of 1,565,414 alleles (0.0021%); highest among the groups gnomAD compares: South Asian, 0.0046%; no homozygotes.

Submission:

PreventionGenetics, part of Exact Sciences
Classification: Likely benign for NFASC-related condition. Last evaluated: 2019-05-24. Review status: no assertion criteria provided. Collection method: clinical testing. Allele origin: germline.
Comment: This variant is classified as likely benign based on ACMG/AMP sequence variant interpretation guidelines (Richards et al. 2015 PMID: 25741868, with internal and published modifications).